The following is an entry in ClinVar:

NM_000135.4(FANCA):c.2665G>A (p.Ala889Thr)

Genes: FANCA (FA complementation group A; minus strand), LOC130059837 (ATAC-STARR-seq lymphoblastoid active region 11420; plus strand). Cytogenetic location: 16q24.3.
Variant type: single nucleotide variant.
Coding change: c.2665G>A on transcript NM_000135.4 (MANE Select); coding-DNA position 2665, G replaced by A.
Protein change: p.Ala889Thr; replaces alanine 889 with threonine.
Molecular consequence: missense variant.
Genome position (GRCh38, 1-based): chr16:89,765,003, C>T on the plus strand (G>A on the coding strand, the complement: FANCA is on the minus strand). VCF-style: chr16-89765003-C-T. GRCh37 (hg19) VCF-style: chr16-89831411-C-T.
Other names: c.2665G>A, p.Ala889Thr (NM_001286167.3); short protein forms A889T.
Identifiers: ClinVar variation 3512700 (VCV003512700.1).

ClinVar aggregate classification (germline): Uncertain significance (1 of 4 stars; one submission).

Conditions:
Inborn genetic diseases. Identifiers: MedGen C0950123, MeSH D030342.

Submission:

Ambry Genetics
Classification: Uncertain significance for Inborn genetic diseases. Last evaluated: 2024-12-02. Review status: criteria provided, single submitter. Criteria: Ambry Variant Classification Scheme 2023. Collection method: clinical testing. Allele origin: germline.
Comment: The p.A889T variant (also known as c.2665G>A), located in coding exon 28 of the FANCA gene, results from a G to A substitution at nucleotide position 2665. The alanine at codon 889 is replaced by threonine, an amino acid with similar properties. This amino acid position is conserved. In addition, this alteration is predicted to be tolerated by in silico analysis. Based on the available evidence, the clinical significance of this variant remains unclear.